The following is an entry in ClinVar:

NM_032977.4(CASP10):c.226C>A (p.Pro76Thr)

Gene: CASP10 (caspase 10; plus strand). Cytogenetic location: 2q33.1.
Variant type: single nucleotide variant.
Coding change: c.226C>A on transcript NM_032977.4 (MANE Select); coding-DNA position 226, C replaced by A.
Protein change: p.Pro76Thr; replaces proline 76 with threonine.
Molecular consequence: missense variant.
Genome position (GRCh38, 1-based): chr2:201,186,003, C>A. VCF-style: chr2-201186003-C-A. GRCh37 (hg19) VCF-style: chr2-202050726-C-A.
Other names: c.226C>A, p.Pro76Thr (NM_001206524.2, NM_001206542.2, NM_001230.5 and 3 more transcripts); short protein forms P76T.
Identifiers: ClinVar variation 577661 (VCV000577661.12), dbSNP rs146696981, ClinGen allele CA2052797.

ClinVar aggregate classification (germline): Conflicting classifications of pathogenicity. Review status: criteria provided, conflicting classifications (1 of 4 stars). 2 submissions from 2 submitters: Uncertain significance (1); Likely benign (1). Last evaluated 2025-02-20.

Conditions:
Autoimmune lymphoproliferative syndrome type 2A (ALPS2A). Also called: CASP10-Related Autoimmune Lymphoproliferative Syndrome; Autoimmune lymphoproliferative syndrome type 2; AUTOIMMUNE LYMPHOPROLIFERATIVE SYNDROME, TYPE IIA. Identifiers: Orphanet 3261, MedGen C1858968, MONDO:0011383, OMIM 603909.

Allele frequency attached by ClinVar (database versions not stated): gnomAD 0.00001 and 0.00003; gnomAD exomes 0.00002 and 0.00003; ExAC 0.00004; TOPMed 0.00004; ESP Exome Variant Server 0.00008.
gnomAD v4.1: 45 of 1,612,866 alleles (0.0028%); highest among the groups gnomAD compares: Middle Eastern, 0.018%; no homozygotes.

Submissions (2):

Labcorp Genetics (formerly Invitae), Labcorp
Classification: Uncertain significance for Autoimmune lymphoproliferative syndrome type 2A. Last evaluated: 2025-02-20. Review status: criteria provided, single submitter. Criteria: Invitae Variant Classification Sherloc (09022015). Collection method: clinical testing. Allele origin: germline.
Comment: This sequence change replaces proline, which is neutral and non-polar, with threonine, which is neutral and polar, at codon 76 of the CASP10 protein (p.Pro76Thr). This variant is present in population databases (rs146696981, gnomAD 0.006%). This variant has not been reported in the literature in individuals affected with CASP10-related conditions. ClinVar contains an entry for this variant (Variation ID: 577661). Invitae Evidence Modeling of protein sequence and biophysical properties (such as structural, functional, and spatial information, amino acid conservation, physicochemical variation, residue mobility, and thermodynamic stability) indicates that this missense variant is not expected to disrupt CASP10 protein function with a negative predictive value of 80%. In summary, the available evidence is currently insufficient to determine the role of this variant in disease. Therefore, it has been classified as a Variant of Uncertain Significance.

Blueprint Genetics
Classification: Likely benign. Last evaluated: 2024-01-24. Review status: criteria provided, single submitter. Criteria: ACMG Guidelines, 2015. Collection method: clinical testing. Allele origin: germline.